The following is an entry in ClinVar:

NM_002691.4(POLD1):c.2007-2del

Gene: POLD1 (DNA polymerase delta 1, catalytic subunit; plus strand). Cytogenetic location: 19q13.33.
Variant type: Deletion.
Coding change: c.2007-2del on transcript NM_002691.4 (MANE Select); the canonical splice acceptor site of the intron before coding-DNA position 2007, one base deleted (A; older notation c.2007-2delA).
Molecular consequence: splice acceptor variant.
Genome position (GRCh38, 1-based): chr19:50,409,517, A deleted. VCF-style (leftmost placement, unchanged base first): chr19-50409516-CA-C. GRCh37 (hg19) VCF-style: chr19-50912773-CA-C.
Other names: c.2007-2del (NM_001256849.1); c.2085-2del (NM_001308632.1).
Identifiers: ClinVar variation 2015342 (VCV002015342.4), dbSNP rs2514018322, ClinGen allele CA2580097686.
Genomic context (GRCh38, chr19:50,409,516, plus strand): 5'-GAAAGGAGCCCTGACCAATGCCCAGGTGCCGCCTGAGTGTGCTTTCCCCGTGTTCCCTCG[CA>C]GGGCCAAGGCCGAGCTGGCCAAGGAGACAGACCCCCTCCGGCGCCAGGTCCTGGATGGAC-3'

ClinVar aggregate classification (germline): Uncertain significance (1 of 4 stars; one submission).

Conditions:
POLD1-related polyposis and colorectal cancer syndrome (CRCS10). Also called: Colorectal cancer 10; COLORECTAL CANCER, SUSCEPTIBILITY TO, ON CHROMOSOME 19q; Colorectal cancer, susceptibility to, 10. Identifiers: Orphanet 220460, MedGen C2675481, MONDO:0012953, OMIM 612591.

Submission:

Labcorp Genetics (formerly Invitae), Labcorp
Classification: Uncertain significance for POLD1-related polyposis and colorectal cancer syndrome. Last evaluated: 2022-07-09. Review status: criteria provided, single submitter. Criteria: Invitae Variant Classification Sherloc (09022015). Collection method: clinical testing. Allele origin: germline.
Comment: In summary, the available evidence is currently insufficient to determine the role of this variant in disease. Therefore, it has been classified as a Variant of Uncertain Significance. Algorithms developed to predict the effect of sequence changes on RNA splicing suggest that this variant may disrupt the consensus splice site. This variant has not been reported in the literature in individuals affected with POLD1-related conditions. This variant is not present in population databases (gnomAD no frequency). This sequence change affects a splice site in intron 16 of the POLD1 gene. Missense variants that disrupt the 3'-5' exonuclease (proof-reading) activity of the POLD1 protein are associated with an increased risk for colonic adenomatous polyps and colon cancer (PMID: 23263490, 23447401). However, loss-of-function variants that result in an absent or severely disrupted POLD1 protein, and missense variants outside the exonuclease domain, are unlikely to be associated with polyposis or colon cancer.

Literature cited by the submitters: PubMed 23263490; PubMed 23447401.